The following is an entry in ClinVar:

NM_000551.4(VHL):c.86G>A (p.Gly29Asp)

Gene: VHL (von Hippel-Lindau tumor suppressor; plus strand). Cytogenetic location: 3p25.3.
Variant type: single nucleotide variant.
Coding change: c.86G>A on transcript NM_000551.4 (MANE Select); coding-DNA position 86, G replaced by A.
Protein change: p.Gly29Asp; replaces glycine 29 with aspartic acid.
Molecular consequence: missense variant. On other transcripts: non-coding transcript variant (1).
Genome position (GRCh38, 1-based): chr3:10,141,933, G>A. VCF-style: chr3-10141933-G-A. GRCh37 (hg19) VCF-style: chr3-10183617-G-A.
Other names: c.86G>A, p.Gly29Asp (NM_001354723.2, NM_198156.3); short protein forms G29D.
Identifiers: ClinVar variation 3468035 (VCV003468035.2).

ClinVar aggregate classification (germline): Uncertain significance. Review status: criteria provided, multiple submitters, no conflicts (2 of 4 stars). 2 submissions from 2 submitters: Uncertain significance (2). Last evaluated 2025-08-17.

Conditions:
Hereditary cancer-predisposing syndrome. Also called: Hereditary Cancer Syndrome; Hereditary neoplastic syndrome; Neoplastic Syndromes, Hereditary; Tumor predisposition. Identifiers: Orphanet 140162, MedGen C0027672, MeSH D009386, MONDO:0015356.
Chuvash polycythemia. Also called: POLYCYTHEMIA, VHL-DEPENDENT. Identifiers: Orphanet 238557, MedGen C1837915, MONDO:0009892, OMIM 263400.
Von Hippel-Lindau syndrome (VHLS). Also called: VHL syndrome; von Hippel–Lindau syndrome; Von Hippel-Lindau. Identifiers: Orphanet 892, MedGen C0019562, MONDO:0008667, OMIM 193300. Disease mechanism: loss of function.

Submissions (2):

Labcorp Genetics (formerly Invitae), Labcorp
Classification: Uncertain significance for Von Hippel-Lindau syndrome; Chuvash polycythemia. Last evaluated: 2025-08-17. Review status: criteria provided, single submitter. Criteria: Invitae Variant Classification Sherloc (09022015). Collection method: clinical testing. Allele origin: germline.
Comment: This sequence change replaces glycine, which is neutral and non-polar, with aspartic acid, which is acidic and polar, at codon 29 of the VHL protein (p.Gly29Asp). This variant is not present in population databases (gnomAD no frequency). This variant has not been reported in the literature in individuals affected with VHL-related conditions. ClinVar contains an entry for this variant (Variation ID: 3468035). Invitae Evidence Modeling of protein sequence and biophysical properties (such as structural, functional, and spatial information, amino acid conservation, physicochemical variation, residue mobility, and thermodynamic stability) indicates that this missense variant is not expected to disrupt VHL protein function with a negative predictive value of 95%. In summary, the available evidence is currently insufficient to determine the role of this variant in disease. Therefore, it has been classified as a Variant of Uncertain Significance.

Ambry Genetics
Classification: Uncertain significance for Hereditary cancer-predisposing syndrome. Last evaluated: 2024-11-12. Review status: criteria provided, single submitter. Criteria: Ambry Variant Classification Scheme 2023. Collection method: clinical testing. Allele origin: germline.
Comment: The p.G29D variant (also known as c.86G>A), located in coding exon 1 of the VHL gene, results from a G to A substitution at nucleotide position 86. The glycine at codon 29 is replaced by aspartic acid, an amino acid with similar properties. This amino acid position is well conserved in available vertebrate species. In addition, this alteration is predicted to be tolerated by in silico analysis. Based on the available evidence, the clinical significance of this variant remains unclear.